The following is an entry in ClinVar:

NM_001197104.2(KMT2A):c.11397AGA[1] (p.Glu3803del)

Genes: KMT2A (lysine methyltransferase 2A; plus strand), TTC36-AS1 (TTC36 and KMT2A antisense RNA 1; minus strand). Cytogenetic location: 11q23.3.
Variant type: Microsatellite.
Coding change: c.11397AGA[1] on transcript NM_001197104.2 (MANE Select); one copy of the 3-base unit AGA starting at c.11397; the reference has two copies in a row; one copy, 3 bases deleted.
Protein change: p.Glu3803del; deletes glutamic acid 3803.
Genome position (GRCh38, 1-based): chr11:118,520,035-118,520,037, AGA deleted; deleting any 3 consecutive bases within chr11:118,520,030-118,520,037 gives the same sequence; the position shown is the placement nearest the transcript's 3' end. VCF-style (leftmost placement, unchanged base first): chr11-118520029-TGAA-T. GRCh37 (hg19) VCF-style: chr11-118390744-TGAA-T.
Other names: c.11487AGA[1], p.Glu3833del (NM_001412597.1); c.11388AGA[1], p.Glu3800del (NM_005933.4); short protein forms E3800del, E3833del, E3803del.
Identifiers: ClinVar variation 4769495 (VCV004769495.1).
Genomic context (GRCh38, chr11:118,520,029, plus strand): 5'-TGACATGTTTAACTTCCTGGCTTCTAAACATCGTCAGCCTCCTGAATACAACCCCAATGA[TGAA>T]GAAGAGGAGGAGGTACAGCTGAAGTCAGCTCGGTAAGTCTTGAGTGGGGAGCAGTCATTA-3'

ClinVar aggregate classification (germline): Uncertain significance (1 of 4 stars; one submission).

Submission:

Labcorp Genetics (formerly Invitae), Labcorp
Classification: Uncertain significance. Last evaluated: 2025-06-29. Review status: criteria provided, single submitter. Criteria: Invitae Variant Classification Sherloc (09022015). Collection method: clinical testing. Allele origin: germline.
Comment: This variant, c.11400_11402del, results in the deletion of 1 amino acid(s) of the KMT2A protein (p.Glu3803del), but otherwise preserves the integrity of the reading frame. This variant is not present in population databases (gnomAD no frequency). This variant has not been reported in the literature in individuals affected with KMT2A-related conditions. Experimental studies and prediction algorithms are not available or were not evaluated, and the functional significance of this variant is currently unknown. In summary, the available evidence is currently insufficient to determine the role of this variant in disease. Therefore, it has been classified as a Variant of Uncertain Significance.